The following is an entry in ClinVar:

ClinVar aggregate classification (germline): Uncertain significance (1 of 4 stars; one submission).

Allele frequency attached by ClinVar (database versions not stated): gnomAD 0.00004 and 0.00005; gnomAD exomes 0.00004 and 0.00006; ExAC 0.00005; TOPMed 0.00005; 1000 Genomes Project 30x 0.00031; 1000 Genomes Project 0.00040.
gnomAD v4.1: 64 of 1,610,362 alleles (0.004%); highest among the groups gnomAD compares: Admixed American, 0.025%; no homozygotes.

Submission:

Labcorp Genetics (formerly Invitae), Labcorp
Classification: Uncertain significance. Last evaluated: 2024-11-11. Review status: criteria provided, single submitter. Criteria: Invitae Variant Classification Sherloc (09022015). Collection method: clinical testing. Allele origin: germline.
Comment: This sequence change replaces valine, which is neutral and non-polar, with leucine, which is neutral and non-polar, at codon 515 of the RELB protein (p.Val515Leu). This variant is present in population databases (rs539238124, gnomAD 0.03%). This variant has not been reported in the literature in individuals affected with RELB-related conditions. ClinVar contains an entry for this variant (Variation ID: 1366024). An algorithm developed to predict the effect of missense changes on protein structure and function (PolyPhen-2) suggests that this variant is likely to be tolerated. In summary, the available evidence is currently insufficient to determine the role of this variant in disease. Therefore, it has been classified as a Variant of Uncertain Significance.

NM_006509.4(RELB):c.1543G>C (p.Val515Leu)

Gene: RELB (RELB proto-oncogene, NF-kB subunit; plus strand). Cytogenetic location: 19q13.32.
Variant type: single nucleotide variant.
Coding change: c.1543G>C on transcript NM_006509.4 (MANE Select); coding-DNA position 1543, G replaced by C.
Protein change: p.Val515Leu; replaces valine 515 with leucine.
Molecular consequence: missense variant.
Genome position (GRCh38, 1-based): chr19:45,037,593, G>C. VCF-style: chr19-45037593-G-C. GRCh37 (hg19) VCF-style: chr19-45540851-G-C.
Other names: short protein forms V515L.
Identifiers: ClinVar variation 1366024 (VCV001366024.6), dbSNP rs539238124, ClinGen allele CA9507898.
Genomic context (GRCh38, chr19:45,037,593, plus strand): 5'-GCCCCCACACTCTTCACCATGCTGGACCTGCTGCCCCCGGCACCGCCACACGCTAGCGCT[G>C]TTGTGTGCAGCGGAGGTGCCGGGGCCGTGGTTGGGGAGACCCCCGGCCCTGAACCACTGA-3'
Protein context (NP_006500.2, residues 505-525): LPPAPPHASA[Val515Leu]VCSGGAGAVV